The following is an entry in ClinVar:

ClinVar aggregate classification (germline): Uncertain significance (1 of 4 stars; one submission).

Conditions:
Epidermodysplasia verruciformis. Identifiers: Orphanet 302, MedGen C0014522, MONDO:0009176.

Allele frequency attached by ClinVar (database versions not stated): gnomAD exomes 0.00002 and 0.00004; TOPMed 0.00002; ESP Exome Variant Server 0.00008.
gnomAD v4.1: 33 of 1,613,564 alleles (0.002%); highest among the groups gnomAD compares: African/African-American, 0.0053%; no homozygotes.

Submission:

Labcorp Genetics (formerly Invitae), Labcorp
Classification: Uncertain significance for Epidermodysplasia verruciformis. Last evaluated: 2025-10-27. Review status: criteria provided, single submitter. Criteria: Invitae Variant Classification Sherloc (09022015). Collection method: clinical testing. Allele origin: germline.
Comment: This sequence change replaces valine, which is neutral and non-polar, with methionine, which is neutral and non-polar, at codon 198 of the TMC8 protein (p.Val198Met). This variant is present in population databases (rs138026813, gnomAD 0.02%). This variant has not been reported in the literature in individuals affected with TMC8-related conditions. ClinVar contains an entry for this variant (Variation ID: 1368348). Invitae Evidence Modeling of protein sequence and biophysical properties (such as structural, functional, and spatial information, amino acid conservation, physicochemical variation, residue mobility, and thermodynamic stability) indicates that this missense variant is not expected to disrupt TMC8 protein function with a negative predictive value of 80%. In summary, the available evidence is currently insufficient to determine the role of this variant in disease. Therefore, it has been classified as a Variant of Uncertain Significance.

NM_152468.5(TMC8):c.592G>A (p.Val198Met)

Gene: TMC8 (transmembrane channel like 8; plus strand). Cytogenetic location: 17q25.3.
Variant type: single nucleotide variant.
Coding change: c.592G>A on transcript NM_152468.5 (MANE Select); coding-DNA position 592, G replaced by A.
Protein change: p.Val198Met; replaces valine 198 with methionine.
Molecular consequence: missense variant.
Genome position (GRCh38, 1-based): chr17:78,133,466, G>A. VCF-style: chr17-78133466-G-A. GRCh37 (hg19) VCF-style: chr17-76129547-G-A.
Other names: short protein forms V198M.
Identifiers: ClinVar variation 1368348 (VCV001368348.5), dbSNP rs138026813, ClinGen allele CA8796525.